The following is an entry in ClinVar:

NM_001122769.3(LCA5):c.2050G>C (p.Ala684Pro)

Gene: LCA5 (lebercilin LCA5; minus strand). Cytogenetic location: 6q14.1.
Variant type: single nucleotide variant.
Coding change: c.2050G>C on transcript NM_001122769.3 (MANE Select); coding-DNA position 2050, G replaced by C.
Protein change: p.Ala684Pro; replaces alanine 684 with proline.
Molecular consequence: missense variant.
Genome position (GRCh38, 1-based): chr6:79,487,048, C>G on the plus strand (G>C on the coding strand, the complement: LCA5 is on the minus strand). VCF-style: chr6-79487048-C-G. GRCh37 (hg19) VCF-style: chr6-80196765-C-G.
Other names: c.2050G>C, p.Ala684Pro (NM_181714.4); short protein forms A684P.
Identifiers: ClinVar variation 1425108 (VCV001425108.3), dbSNP rs745875716, ClinGen allele CA3900732.

ClinVar aggregate classification (germline): Uncertain significance (1 of 4 stars; one submission).

Allele frequency attached by ClinVar (database versions not stated): gnomAD exomes below 0.00001 and 0.00001; gnomAD 0.00001; TOPMed 0.00001; ExAC 0.00001.
gnomAD v4.1: 18 of 1,613,618 alleles (0.0011%); highest among the groups gnomAD compares: Non-Finnish European, 0.0015%; no homozygotes.

Submission:

Labcorp Genetics (formerly Invitae), Labcorp
Classification: Uncertain significance. Last evaluated: 2021-10-12. Review status: criteria provided, single submitter. Criteria: Invitae Variant Classification Sherloc (09022015). Collection method: clinical testing. Allele origin: germline.
Comment: This sequence change replaces alanine with proline at codon 684 of the LCA5 protein (p.Ala684Pro). The alanine residue is weakly conserved and there is a small physicochemical difference between alanine and proline. This variant is present in population databases (rs745875716, ExAC 0.002%). This variant has not been reported in the literature in individuals affected with LCA5-related conditions. Algorithms developed to predict the effect of missense changes on protein structure and function are either unavailable or do not agree on the potential impact of this missense change (SIFT: "Deleterious"; PolyPhen-2: "Benign"; Align-GVGD: "Class C0"). In summary, the available evidence is currently insufficient to determine the role of this variant in disease. Therefore, it has been classified as a Variant of Uncertain Significance.